The following is an entry in ClinVar:

ClinVar aggregate classification (germline): Uncertain significance (1 of 4 stars; one submission).

Allele frequency attached by ClinVar (database versions not stated): ExAC 0.00001; gnomAD 0.00001; gnomAD exomes 0.00001.
gnomAD v4.1: 11 of 1,613,948 alleles (0.00068%); highest among the groups gnomAD compares: Non-Finnish European, 0.00093%; no homozygotes.

Submission:

Labcorp Genetics (formerly Invitae), Labcorp
Classification: Uncertain significance. Last evaluated: 2022-02-24. Review status: criteria provided, single submitter. Criteria: Invitae Variant Classification Sherloc (09022015). Collection method: clinical testing. Allele origin: germline.
Comment: In summary, the available evidence is currently insufficient to determine the role of this variant in disease. Therefore, it has been classified as a Variant of Uncertain Significance. Algorithms developed to predict the effect of missense changes on protein structure and function are either unavailable or do not agree on the potential impact of this missense change (SIFT: "Deleterious"; PolyPhen-2: "Not Available"; Align-GVGD: "Class C0"). This variant has not been reported in the literature in individuals affected with COL10A1-related conditions. The frequency data for this variant in the population databases is considered unreliable, as metrics indicate poor data quality at this position in the gnomAD database. This sequence change replaces glycine, which is neutral and non-polar, with alanine, which is neutral and non-polar, at codon 133 of the COL10A1 protein (p.Gly133Ala).

NM_000493.4(COL10A1):c.398G>C (p.Gly133Ala)

Genes: NT5DC1 (5'-nucleotidase domain containing 1; plus strand), COL10A1 (collagen type X alpha 1 chain; minus strand). Cytogenetic location: 6q22.1.
Variant type: single nucleotide variant.
Coding change: c.398G>C on transcript NM_000493.4 (MANE Select); coding-DNA position 398, G replaced by C.
Protein change: p.Gly133Ala; replaces glycine 133 with alanine.
Molecular consequence: missense variant. On other transcripts: intron variant (1).
Genome position (GRCh38, 1-based): chr6:116,121,718, C>G on the plus strand (G>C on the coding strand, the complement: COL10A1 is on the minus strand). VCF-style: chr6-116121718-C-G. GRCh37 (hg19) VCF-style: chr6-116442881-C-G.
Other names: c.398G>C, p.Gly133Ala (NM_001424106.1, NM_001424107.1); c.529+3773C>G (NM_152729.3); short protein forms G133A.
Identifiers: ClinVar variation 1382966 (VCV001382966.8), dbSNP rs770436777, ClinGen allele CA3968408.
Genomic context (GRCh38, chr6:116,121,718, plus strand): 5'-GAAATTCCAGCCGGTCCAGGGATTCCAGGTGGTCCTGGTGGGCCCCGGGGTCCTGGTAGG[C>G]CAGCTGGTCCAACATCTCCTTTTGGTCCATATGGTCCTCTCTCTCCTGGTTTTCCTGGGA-3'
Protein context (NP_000484.2, residues 123-143): YGPKGDVGPA[Gly133Ala]LPGPRGPPGP